The following is an entry in ClinVar:

ClinVar aggregate classification (germline): Likely benign (1 of 4 stars; one submission).

Allele frequency attached by ClinVar (database versions not stated): gnomAD 0.00012 and 0.00013; TOPMed 0.00014; ESP Exome Variant Server 0.00023; 1000 Genomes Project 0.00060; 1000 Genomes Project 30x 0.00094.

Submission:

GeneDx
Classification: Likely benign. Last evaluated: 2017-01-13. Review status: criteria provided, single submitter. Criteria: GeneDx Variant Classification (06012015). Collection method: clinical testing. Allele origin: germline. Affected: yes.
Comment: This variant is considered likely benign or benign based on one or more of the following criteria: it is a conservative change, it occurs at a poorly conserved position in the protein, it is predicted to be benign by multiple in silico algorithms, and/or has population frequency not consistent with disease.

NM_005184.4(CALM3):c.*19G>A

Gene: CALM3 (calmodulin 3; plus strand). Cytogenetic location: 19q13.32.
Variant type: single nucleotide variant.
Coding change: c.*19G>A on transcript NM_005184.4 (MANE Select); 19 bases downstream of the stop codon, G replaced by A.
Molecular consequence: 3 prime UTR variant.
Genome position (GRCh38, 1-based): chr19:46,609,172, G>A. VCF-style: chr19-46609172-G-A. GRCh37 (hg19) VCF-style: chr19-47112429-G-A.
Other names: c.*19G>A (NM_001329921.1, NM_001329922.1, NM_001329923.1 and 3 more transcripts).
Identifiers: ClinVar variation 392931 (VCV000392931.1), dbSNP rs368104478, ClinGen allele CA9529871.